The following is an entry in ClinVar:

ClinVar aggregate classification (germline): Uncertain significance (1 of 4 stars; one submission).

Conditions:
Cardiac arrhythmia. Also called: Arrhythmia; Cardiac rhythm disease. Identifiers: MedGen C0003811, MONDO:0007263, HP:0011675.

Submission:

Color Diagnostics, LLC DBA Color Health
Classification: Uncertain significance for Cardiac arrhythmia. Last evaluated: 2020-10-14. Review status: criteria provided, single submitter. Criteria: ACMG Guidelines, 2015. Collection method: clinical testing. Allele origin: germline.
Comment: This missense variant replaces arginine with lysine at codon 360 of the KCNQ1 protein. Computational prediction suggests that this variant may have deleterious impact on protein structure and function (internally defined REVEL score threshold >= 0.7, PMID: 27666373). To our knowledge, functional studies have not been reported for this variant. This variant has not been reported in individuals affected with cardiovascular disorders in the literature. This variant has not been identified in the general population by the Genome Aggregation Database (gnomAD). The available evidence is insufficient to determine the role of this variant in disease conclusively. Therefore, this variant is classified as a Variant of Uncertain Significance.

NM_000218.3(KCNQ1):c.1079G>A (p.Arg360Lys)

Gene: KCNQ1 (potassium voltage-gated channel subfamily Q member 1; plus strand). Cytogenetic location: 11p15.5.
Variant type: single nucleotide variant.
Coding change: c.1079G>A on transcript NM_000218.3 (MANE Select); coding-DNA position 1079, G replaced by A.
Protein change: p.Arg360Lys; replaces arginine 360 with lysine.
Molecular consequence: missense variant.
Genome position (GRCh38, 1-based): chr11:2,585,258, G>A. VCF-style: chr11-2585258-G-A. GRCh37 (hg19) VCF-style: chr11-2606488-G-A.
Other names: c.809G>A, p.Arg270Lys (NM_001406837.1); c.698G>A, p.Arg233Lys (NM_181798.2); short protein forms R233K, R360K, R270K.
Identifiers: ClinVar variation 1172261 (VCV001172261.5), dbSNP rs199473407, ClinGen allele CA379133774.